The following is an entry in ClinVar:

ClinVar aggregate classification (germline): Benign/Likely benign. Review status: criteria provided, multiple submitters, no conflicts (2 of 4 stars). 3 submissions from 3 submitters: Benign (1); Likely benign (2). Last evaluated 2025-12-13.

Conditions:
Pheochromocytoma/paraganglioma syndrome 1. Also called: Paragangliomas 1; Glomus tumors familial 1; Paraganglioma - glomus jugulare; SDHD-Related Hereditary Paraganglioma-Pheochromocytoma Syndrome; PARAGANGLIOMAS, FAMILIAL NONCHROMAFFIN, 1; PGL 1. Identifiers: Orphanet 29072, MedGen C3494181, MONDO:0008192, OMIM 168000.
Hereditary cancer-predisposing syndrome. Also called: Neoplastic Syndromes, Hereditary; Hereditary Cancer Syndrome; Hereditary neoplastic syndrome; Tumor predisposition. Identifiers: Orphanet 140162, MedGen C0027672, MeSH D009386, MONDO:0015356.
Carney-Stratakis syndrome. Also called: PARAGANGLIOMA AND GASTROINTESTINAL STROMAL TUMOR. Identifiers: Orphanet 97286, MedGen C1847319, MONDO:0011740, OMIM 606864.
Pheochromocytoma. Also called: MAX-Related Hereditary Paraganglioma-Pheochromocytoma Syndrome. Identifiers: Orphanet 29072, MedGen C0031511, MONDO:0008233, OMIM 171300, HP:0002666.
Paragangliomas with sensorineural hearing loss. Identifiers: MedGen C1868633.
Cowden syndrome 3 (CWS3). Identifiers: Orphanet 201, MedGen CN166604, MONDO:0014045.

Allele frequency attached by ClinVar (database versions not stated): gnomAD exomes below 0.00001.
gnomAD v4.1: 1 of 1,611,198 alleles (0.000062%); highest among the groups gnomAD compares: Non-Finnish European, 0.000085%; no homozygotes.

Submissions (3):

Labcorp Genetics (formerly Invitae), Labcorp
Classification: Likely benign for Carney-Stratakis syndrome; Paragangliomas with sensorineural hearing loss; Pheochromocytoma; Cowden syndrome 3. Last evaluated: 2025-12-13. Review status: criteria provided, single submitter. Criteria: Invitae Variant Classification Sherloc (09022015). Collection method: clinical testing. Allele origin: germline.

Myriad Genetics, Inc.
Classification: Benign for Pheochromocytoma/paraganglioma syndrome 1. Last evaluated: 2025-03-18. Review status: criteria provided, single submitter. Criteria: Myriad Autosomal Dominant, Autosomal Recessive and X-Linked Classification Criteria (2023). Collection method: clinical testing. Allele origin: unknown.
Comment: This variant is considered benign. This variant is a silent/synonymous amino acid change and it is not expected to impact splicing.

Ambry Genetics
Classification: Likely benign for Hereditary cancer-predisposing syndrome. Last evaluated: 2023-07-13. Review status: criteria provided, single submitter. Criteria: Ambry Variant Classification Scheme 2023. Collection method: clinical testing. Allele origin: germline.

NM_003002.4(SDHD):c.468G>A (p.Leu156=)

Gene: SDHD (succinate dehydrogenase complex subunit D; plus strand). Cytogenetic location: 11q23.1.
Variant type: single nucleotide variant.
Coding change: c.468G>A on transcript NM_003002.4 (MANE Select); coding-DNA position 468, G replaced by A.
Protein change: p.Leu156=; no amino-acid change (leucine 156 retained).
Molecular consequence: synonymous variant. On other transcripts: 3 prime UTR variant (2), non-coding transcript variant (1).
Genome position (GRCh38, 1-based): chr11:112,094,958, G>A. VCF-style: chr11-112094958-G-A. GRCh37 (hg19) VCF-style: chr11-111965682-G-A.
Other names: c.468G>A (NM_003002.2); c.*65G>A (NM_001276503.2); c.351G>A, p.Leu117= (NM_001276504.2); c.*166G>A (NM_001276506.2).
Identifiers: ClinVar variation 1114854 (VCV001114854.12), dbSNP rs2135277845, ClinGen allele CA476791105.
Genomic context (GRCh38, chr11:112,094,958, plus strand): 5'-TGCTGGGCTTTGCTATTTCAACTATCACGATGTGGGCATCTGCAAAGCTGTTGCCATGCT[G>A]TGGAAGCTCTGACCTTTTTGACTTCATACTTTGAAGAATTGATGTATGCCTCTTTGCCTC-3'
Protein context (NP_002993.1, residues 146-159): DVGICKAVAM[Leu156=]WKL